The following is an entry in ClinVar:

ClinVar aggregate classification (germline): Uncertain significance. Review status: criteria provided, multiple submitters, no conflicts (2 of 4 stars). 5 submissions from 5 submitters: Uncertain significance (4). 1 of the submissions does not count toward it. Last evaluated 2025-12-23.

Conditions:
Microcephaly, normal intelligence and immunodeficiency (NBS). Also called: Immunodeficiency, microcephaly with normal intelligence; Ataxia telangiectasia variant V1; IMMUNODEFICIENCY, MICROCEPHALY, AND CHROMOSOMAL INSTABILITY; BERLIN BREAKAGE SYNDROME; SEEMANOVA SYNDROME II; Nijmegen breakage syndrome. Identifiers: Orphanet 647, MedGen C0398791, MONDO:0009623, OMIM 251260.
Hereditary cancer-predisposing syndrome. Also called: Neoplastic Syndromes, Hereditary; Hereditary neoplastic syndrome; Tumor predisposition; Hereditary Cancer Syndrome. Identifiers: Orphanet 140162, MedGen C0027672, MeSH D009386, MONDO:0015356.

Allele frequency attached by ClinVar (database versions not stated): gnomAD exomes below 0.00001.

Submissions (5):

Labcorp Genetics (formerly Invitae), Labcorp
Classification: Uncertain significance for Microcephaly, normal intelligence and immunodeficiency. Last evaluated: 2025-12-23. Review status: criteria provided, single submitter. Criteria: Invitae Variant Classification Sherloc (09022015). Collection method: clinical testing. Allele origin: germline.
Comment: This sequence change replaces phenylalanine, which is neutral and non-polar, with cysteine, which is neutral and slightly polar, at codon 567 of the NBN protein (p.Phe567Cys). This variant is present in population databases (no rsID available, gnomAD 0.0009%). This variant has not been reported in the literature in individuals affected with NBN-related conditions. ClinVar contains an entry for this variant (Variation ID: 530742). An algorithm developed to predict the effect of missense changes on protein structure and function (PolyPhen-2) suggests that this variant is likely to be tolerated. In summary, the available evidence is currently insufficient to determine the role of this variant in disease. Therefore, it has been classified as a Variant of Uncertain Significance.

GeneDx
Classification: Uncertain significance. Last evaluated: 2024-10-06. Review status: criteria provided, single submitter. Criteria: GeneDx Variant Classification Process June 2021. Collection method: clinical testing. Allele origin: germline. Affected: yes.
Comment: Not observed at significant frequency in large population cohorts (gnomAD); In silico analysis indicates that this missense variant does not alter protein structure/function; Has not been previously published as pathogenic or benign to our knowledge

Ambry Genetics
Classification: Uncertain significance for Hereditary cancer-predisposing syndrome. Last evaluated: 2023-11-01. Review status: criteria provided, single submitter. Criteria: Ambry Variant Classification Scheme 2023. Collection method: clinical testing. Allele origin: germline.
Comment: The p.F567C variant (also known as c.1700T>G), located in coding exon 11 of the NBN gene, results from a T to G substitution at nucleotide position 1700. The phenylalanine at codon 567 is replaced by cysteine, an amino acid with highly dissimilar properties. This amino acid position is not well conserved in available vertebrate species. In addition, this alteration is predicted to be tolerated by in silico analysis. Since supporting evidence is limited at this time, the clinical significance of this alteration remains unclear.

Genome-Nilou Lab
Classification: Uncertain significance for Microcephaly, normal intelligence and immunodeficiency. Last evaluated: 2021-11-07. Review status: criteria provided, single submitter. Criteria: ACMG Guidelines, 2015. Collection method: clinical testing. Allele origin: germline. Affected: no.

Natera, Inc.
Classification: Uncertain significance for Nijmegen breakage syndrome. Last evaluated: 2020-11-05. Review status: no assertion criteria provided. Collection method: clinical testing. Allele origin: germline. Not counted in ClinVar's aggregate classification.

NM_002485.5(NBN):c.1700T>G (p.Phe567Cys)

Gene: NBN (nibrin; minus strand). Cytogenetic location: 8q21.3.
Variant type: single nucleotide variant.
Coding change: c.1700T>G on transcript NM_002485.5 (MANE Select); coding-DNA position 1700, T replaced by G.
Protein change: p.Phe567Cys; replaces phenylalanine 567 with cysteine.
Molecular consequence: missense variant.
Genome position (GRCh38, 1-based): chr8:89,953,389, A>C on the plus strand (T>G on the coding strand, the complement: NBN is on the minus strand). VCF-style: chr8-89953389-A-C. GRCh37 (hg19) VCF-style: chr8-90965617-A-C.
Other names: c.1454T>G, p.Phe485Cys (NM_001024688.3); short protein forms F567C, F485C.
Identifiers: ClinVar variation 530742 (VCV000530742.27), dbSNP rs980167139, ClinGen allele CA181257789.
Genomic context (GRCh38, chr8:89,953,389, plus strand): 5'-ACATCTTCCTCCTGTTTTTGAACTTTCACATCAATTTCTAACTCTGGTTTTGTGTCCTTG[A>C]ATAACTGTTCCAATACTTCATCTTCTATGGCCACATCATCCATTTCCCTTTTTTTATTTG-3'
Protein context (NP_002476.2, residues 557-577): AIEDEVLEQL[Phe567Cys]KDTKPELEID